The following is an entry in ClinVar:

ClinVar aggregate classification (germline): Uncertain significance (1 of 4 stars; one submission).

Allele frequency attached by ClinVar (database versions not stated): gnomAD exomes 0.00001 and 0.00004; TOPMed 0.00014; gnomAD 0.00019 and 0.00020.
gnomAD v4.1: 35 of 1,612,512 alleles (0.0022%); highest among the groups gnomAD compares: Admixed American, 0.059%; no homozygotes.

Submission:

Labcorp Genetics (formerly Invitae), Labcorp
Classification: Uncertain significance. Last evaluated: 2024-05-22. Review status: criteria provided, single submitter. Criteria: Invitae Variant Classification Sherloc (09022015). Collection method: clinical testing. Allele origin: germline.
Comment: This sequence change replaces isoleucine, which is neutral and non-polar, with valine, which is neutral and non-polar, at codon 522 of the GATAD2B protein (p.Ile522Val). This variant is present in population databases (no rsID available, gnomAD 0.02%). This variant has not been reported in the literature in individuals affected with GATAD2B-related conditions. ClinVar contains an entry for this variant (Variation ID: 1493286). Advanced modeling of protein sequence and biophysical properties (such as structural, functional, and spatial information, amino acid conservation, physicochemical variation, residue mobility, and thermodynamic stability) performed at Invitae indicates that this missense variant is not expected to disrupt GATAD2B protein function with a negative predictive value of 80%. In summary, the available evidence is currently insufficient to determine the role of this variant in disease. Therefore, it has been classified as a Variant of Uncertain Significance.

NM_020699.4(GATAD2B):c.1564A>G (p.Ile522Val)

Gene: GATAD2B (GATA zinc finger domain containing 2B; minus strand). Cytogenetic location: 1q21.3.
Variant type: single nucleotide variant.
Coding change: c.1564A>G on transcript NM_020699.4 (MANE Select); coding-DNA position 1564, A replaced by G.
Protein change: p.Ile522Val; replaces isoleucine 522 with valine.
Molecular consequence: missense variant.
Genome position (GRCh38, 1-based): chr1:153,811,815, T>C on the plus strand (A>G on the coding strand, the complement: GATAD2B is on the minus strand). VCF-style: chr1-153811815-T-C. GRCh37 (hg19) VCF-style: chr1-153784291-T-C.
Other names: short protein forms I522V.
Identifiers: ClinVar variation 1493286 (VCV001493286.6), dbSNP rs1445418917, ClinGen allele CA342580920.